The following is an entry in ClinVar:

NM_177438.3(DICER1):c.367G>C (p.Glu123Gln)

Gene: DICER1 (dicer 1, ribonuclease III; minus strand). Cytogenetic location: 14q32.13.
Variant type: single nucleotide variant.
Coding change: c.367G>C on transcript NM_177438.3 (MANE Select); coding-DNA position 367, G replaced by C.
Protein change: p.Glu123Gln; replaces glutamic acid 123 with glutamine.
Molecular consequence: missense variant. On other transcripts: 5 prime UTR variant (2), non-coding transcript variant (5), intron variant (6).
Genome position (GRCh38, 1-based): chr14:95,131,580, C>G on the plus strand (G>C on the coding strand, the complement: DICER1 is on the minus strand). VCF-style: chr14-95131580-C-G. GRCh37 (hg19) VCF-style: chr14-95597917-C-G.
Other names: c.367G>C, p.Glu123Gln (NM_001195573.1, NM_001271282.3, NM_001291628.2 and 14 more transcripts); c.85G>C, p.Glu29Gln (NM_001395686.1); c.-92G>C (NM_001395691.1); c.-1202G>C (NM_001395697.1); c.33+935G>C (NM_001395690.1, NM_001395687.1, NM_001395689.1 and 3 more transcripts); short protein forms E123Q, E29Q.
Identifiers: ClinVar variation 3501949 (VCV003501949.1).

ClinVar aggregate classification (germline): Uncertain significance (1 of 4 stars; one submission).

Conditions:
Hereditary cancer-predisposing syndrome. Also called: Tumor predisposition; Neoplastic Syndromes, Hereditary; Hereditary Cancer Syndrome; Hereditary neoplastic syndrome. Identifiers: Orphanet 140162, MedGen C0027672, MeSH D009386, MONDO:0015356.

Submission:

Ambry Genetics
Classification: Uncertain significance for Hereditary cancer-predisposing syndrome. Last evaluated: 2024-11-09. Review status: criteria provided, single submitter. Criteria: Ambry Variant Classification Scheme 2023. Collection method: clinical testing. Allele origin: germline.
Comment: The p.E123Q variant (also known as c.367G>C), located in coding exon 3 of the DICER1 gene, results from a G to C substitution at nucleotide position 367. The glutamic acid at codon 123 is replaced by glutamine, an amino acid with highly similar properties. This amino acid position is conserved. In addition, this alteration is predicted to be tolerated by in silico analysis. Based on the available evidence, the clinical significance of this variant remains unclear.